The following is an entry in ClinVar:

NM_178844.4(NLRC3):c.2938G>A (p.Asp980Asn)

Gene: NLRC3 (NLR family CARD domain containing 3; minus strand). Cytogenetic location: 16p13.3.
Variant type: single nucleotide variant.
Coding change: c.2938G>A on transcript NM_178844.4 (MANE Select); coding-DNA position 2938, G replaced by A.
Protein change: p.Asp980Asn; replaces aspartic acid 980 with asparagine.
Molecular consequence: missense variant. On other transcripts: non-coding transcript variant (1).
Genome position (GRCh38, 1-based): chr16:3,543,426, C>T on the plus strand (G>A on the coding strand, the complement: NLRC3 is on the minus strand). VCF-style: chr16-3543426-C-T. GRCh37 (hg19) VCF-style: chr16-3593426-C-T.
Other names: short protein forms D980N.
Identifiers: ClinVar variation 102959 (VCV000102959.2), dbSNP rs199475946, ClinGen allele CA229922.

ClinVar aggregate classification (germline): not provided (0 of 4 stars; one submission).

Allele frequency attached by ClinVar (database versions not stated): ESP Exome Variant Server 0.00008; 1000 Genomes Project 30x 0.00016; 1000 Genomes Project 0.00020; TOPMed 0.00023.
gnomAD v4.1: 98 of 1,607,108 alleles (0.0061%); highest among the groups gnomAD compares: East Asian, 0.19%; no homozygotes.

Submission:

Human Evolutionary Genetics, Institut Pasteur
No classification provided. Review status: no classification provided. Collection method: not provided. Allele origin: germline.
ClinVar note: Converted during submission from untested to not provided.